The following is an entry in ClinVar:

ClinVar aggregate classification (germline): Uncertain significance (1 of 4 stars; one submission).

Allele frequency attached by ClinVar (database versions not stated): TOPMed below 0.00001; gnomAD exomes 0.00001; ExAC 0.00003.
gnomAD v4.1: 19 of 1,614,186 alleles (0.0012%); highest among the groups gnomAD compares: Non-Finnish European, 0.0014%; no homozygotes.

Submission:

Labcorp Genetics (formerly Invitae), Labcorp
Classification: Uncertain significance. Last evaluated: 2024-08-10. Review status: criteria provided, single submitter. Criteria: Invitae Variant Classification Sherloc (09022015). Collection method: clinical testing. Allele origin: germline.
Comment: This sequence change replaces alanine, which is neutral and non-polar, with threonine, which is neutral and polar, at codon 1093 of the EFL1 protein (p.Ala1093Thr). This variant is present in population databases (rs765023138, gnomAD 0.005%). This variant has not been reported in the literature in individuals affected with EFL1-related conditions. ClinVar contains an entry for this variant (Variation ID: 2052960). Advanced modeling of protein sequence and biophysical properties (such as structural, functional, and spatial information, amino acid conservation, physicochemical variation, residue mobility, and thermodynamic stability) performed at Invitae indicates that this missense variant is not expected to disrupt EFL1 protein function with a negative predictive value of 80%. In summary, the available evidence is currently insufficient to determine the role of this variant in disease. Therefore, it has been classified as a Variant of Uncertain Significance.

NM_024580.6(EFL1):c.3277G>A (p.Ala1093Thr)

Gene: EFL1 (elongation factor like GTPase 1; minus strand). Cytogenetic location: 15q25.2.
Variant type: single nucleotide variant.
Coding change: c.3277G>A on transcript NM_024580.6 (MANE Select); coding-DNA position 3277, G replaced by A.
Protein change: p.Ala1093Thr; replaces alanine 1093 with threonine.
Molecular consequence: missense variant. On other transcripts: non-coding transcript variant (1).
Genome position (GRCh38, 1-based): chr15:82,130,459, C>T on the plus strand (G>A on the coding strand, the complement: EFL1 is on the minus strand). VCF-style: chr15-82130459-C-T. GRCh37 (hg19) VCF-style: chr15-82422800-C-T.
Other names: c.3124G>A, p.Ala1042Thr (NM_001040610.3); c.2488G>A, p.Ala830Thr (NM_001322844.2); c.3277G>A, p.Ala1093Thr (NM_001322845.2); short protein forms A1093T, A1042T, A830T.
Identifiers: ClinVar variation 2052960 (VCV002052960.3), dbSNP rs765023138, ClinGen allele CA7697595.